The following is an entry in ClinVar:

NM_000093.5(COL5A1):c.655-142G>A

Gene: COL5A1 (collagen type V alpha 1 chain; plus strand). Cytogenetic location: 9q34.3.
Variant type: single nucleotide variant.
Coding change: c.655-142G>A on transcript NM_000093.5 (MANE Select); 142 bases into the intron before coding-DNA position 655, G replaced by A.
Molecular consequence: intron variant.
Genome position (GRCh38, 1-based): chr9:134,727,124, G>A. VCF-style: chr9-134727124-G-A. GRCh37 (hg19) VCF-style: chr9-137618970-G-A.
Other names: c.655-142G>A (NM_001278074.1).
Identifiers: ClinVar variation 672240 (VCV000672240.2), dbSNP rs3124298, ClinGen allele CA12975111.

ClinVar aggregate classification (germline): Benign. Review status: criteria provided, multiple submitters, no conflicts (2 of 4 stars). 2 submissions from 2 submitters: Benign (2). Last evaluated 2018-06-14.

Allele frequency attached by ClinVar (database versions not stated): gnomAD 0.36165 and 0.37104; TOPMed 0.37132; 1000 Genomes Project 30x 0.37196; 1000 Genomes Project 0.37660; gnomAD exomes 0.45293.
gnomAD v4.1: 362,639 of 828,370 alleles (44%); highest among the groups gnomAD compares: Admixed American, 65%; 85,058 homozygotes.

Submissions (2):

GeneDx
Classification: Benign. Last evaluated: 2018-06-14. Review status: criteria provided, single submitter. Criteria: GeneDx Variant Classification (06012015). Collection method: clinical testing. Allele origin: germline. Affected: yes.
Comment: This variant is considered likely benign or benign based on one or more of the following criteria: it is a conservative change, it occurs at a poorly conserved position in the protein, it is predicted to be benign by multiple in silico algorithms, and/or has population frequency not consistent with disease.

Breakthrough Genomics
Classification: Benign. Review status: criteria provided, single submitter. Criteria: ACMG Guidelines, 2015. Collection method: not provided. Allele origin: germline. Inheritance: Autosomal dominant inheritance. Affected: yes.